The following is an entry in ClinVar:

ClinVar aggregate classification (germline): Pathogenic/Likely pathogenic. Review status: criteria provided, multiple submitters, no conflicts (2 of 4 stars). 2 submissions from 2 submitters: Pathogenic (1); Likely pathogenic (1). Last evaluated 2023-06-03.

Conditions:
Familial thoracic aortic aneurysm and aortic dissection (TAAD). Also called: Thoracic aortic aneurysms and dissections. Identifiers: Orphanet 91387, MedGen C4707243, MONDO:0019625.
Marfan syndrome (MFS). Also called: FBN1-Related Marfan Syndrome; Marfan syndrome type 1; Marfan's syndrome; Marfan syndrome, classic; MARFAN SYNDROME, TYPE I. Identifiers: Orphanet 284963, Orphanet 558, MedGen C0024796, MONDO:0007947, OMIM 154700.

Allele frequency attached by ClinVar (database versions not stated): gnomAD exomes below 0.00001; gnomAD 0.00001.
gnomAD v4.1: 3 of 1,613,804 alleles (0.00019%); highest among the groups gnomAD compares: African/African-American, 0.0013%; no homozygotes.

Submissions (2):

GeneDx
Classification: Likely pathogenic. Last evaluated: 2023-06-03. Review status: criteria provided, single submitter. Criteria: GeneDx Variant Classification Process June 2021. Collection method: clinical testing. Allele origin: germline. Affected: yes.
Comment: Introduces a new cysteine residue within a calcium-binding EGF-like domain of the FBN1 gene, which may affect disulfide bonding and is predicted to alter the structure and function of the protein; cysteine substitutions in the calcium-binding EGF-like domains represent the majority of pathogenic missense changes associated with FBN1-related disorders (Collod-Beroud et al., 2003); Not observed at significant frequency in large population cohorts (gnomAD); In silico analysis supports that this missense variant has a deleterious effect on protein structure/function; This variant is associated with the following publications: (PMID: 26272055, 33878224)

Labcorp Genetics (formerly Invitae), Labcorp
Classification: Pathogenic for Marfan syndrome; Familial thoracic aortic aneurysm and aortic dissection. Last evaluated: 2021-08-23. Review status: criteria provided, single submitter. Criteria: Invitae Variant Classification Sherloc (09022015). Collection method: clinical testing. Allele origin: germline.
Comment: For these reasons, this variant has been classified as Pathogenic. Advanced modeling of protein sequence and biophysical properties (such as structural, functional, and spatial information, amino acid conservation, physicochemical variation, residue mobility, and thermodynamic stability) performed at Invitae indicates that this missense variant is expected to disrupt FBN1 protein function. This variant has been observed in individual(s) with thoracic aortic aneurysm and dissection (PMID: 26272055, Invitae). It has also been observed to segregate with disease in related individuals. ClinVar contains an entry for this variant (Variation ID: 662097). This variant is not present in population databases (ExAC no frequency). This sequence change replaces arginine with cysteine at codon 2306 of the FBN1 protein (p.Arg2306Cys). The arginine residue is moderately conserved and there is a large physicochemical difference between arginine and cysteine.

Literature cited by the submitters: PubMed 26272055 (cited by Labcorp Genetics (formerly Invitae), Labcorp).

NM_000138.5(FBN1):c.6916C>T (p.Arg2306Cys)

Gene: FBN1 (fibrillin 1; minus strand). Cytogenetic location: 15q21.1.
Variant type: single nucleotide variant.
Coding change: c.6916C>T on transcript NM_000138.5 (MANE Select); coding-DNA position 6916, C replaced by T.
Protein change: p.Arg2306Cys; replaces arginine 2306 with cysteine.
Molecular consequence: missense variant.
Genome position (GRCh38, 1-based): chr15:48,428,427, G>A on the plus strand (C>T on the coding strand, the complement: FBN1 is on the minus strand). VCF-style: chr15-48428427-G-A. GRCh37 (hg19) VCF-style: chr15-48720624-G-A.
Other names: short protein forms R2306C.
Identifiers: ClinVar variation 662097 (VCV000662097.11), dbSNP rs1318405523, ClinGen allele CA392330752.